The following is an entry in ClinVar:

NM_004006.3(DMD):c.5570A>T (p.Lys1857Ile)

Gene: DMD (dystrophin; minus strand). Cytogenetic location: Xp21.1.
Variant type: single nucleotide variant.
Coding change: c.5570A>T on transcript NM_004006.3 (MANE Select); coding-DNA position 5570, A replaced by T.
Protein change: p.Lys1857Ile; replaces lysine 1857 with isoleucine.
Molecular consequence: missense variant.
Genome position (GRCh38, 1-based): chrX:32,345,959, T>A on the plus strand (A>T on the coding strand, the complement: DMD is on the minus strand). VCF-style: chrX-32345959-T-A. GRCh37 (hg19) VCF-style: chrX-32364076-T-A.
Other names: c.5546A>T, p.Lys1849Ile (NM_000109.4); c.5558A>T, p.Lys1853Ile (NM_004009.3); c.5201A>T, p.Lys1734Ile (NM_004010.3); c.1547A>T, p.Lys516Ile (NM_004011.4); c.1538A>T, p.Lys513Ile (NM_004012.4); short protein forms K1857I, K516I, K1734I, K1849I, K513I, K1853I.
Identifiers: ClinVar variation 2838080 (VCV002838080.3), dbSNP rs1406604069, ClinGen allele CA412667246.

ClinVar aggregate classification (germline): Uncertain significance (1 of 4 stars; one submission).

Conditions:
Duchenne muscular dystrophy (DMD). Also called: MUSCULAR DYSTROPHY, PSEUDOHYPERTROPHIC PROGRESSIVE, DUCHENNE TYPE; Duchenne Muscular Dystrophy (DMD). Identifiers: Orphanet 98896, MedGen C0013264, MONDO:0010679, OMIM 310200.

Allele frequency attached by ClinVar (database versions not stated): gnomAD exomes below 0.00001.
gnomAD v4.1: 1 of 1,209,609 alleles (0.000083%); highest among the groups gnomAD compares: Non-Finnish European, 0.00011%; no homozygotes.

Submission:

Labcorp Genetics (formerly Invitae), Labcorp
Classification: Uncertain significance for Duchenne muscular dystrophy. Last evaluated: 2025-03-07. Review status: criteria provided, single submitter. Criteria: Invitae Variant Classification Sherloc (09022015). Collection method: clinical testing. Allele origin: germline.
Comment: This sequence change replaces lysine, which is basic and polar, with isoleucine, which is neutral and non-polar, at codon 1857 of the DMD protein (p.Lys1857Ile). This variant is not present in population databases (gnomAD no frequency). This variant has not been reported in the literature in individuals affected with DMD-related conditions. ClinVar contains an entry for this variant (Variation ID: 2838080). Invitae Evidence Modeling of protein sequence and biophysical properties (such as structural, functional, and spatial information, amino acid conservation, physicochemical variation, residue mobility, and thermodynamic stability) indicates that this missense variant is not expected to disrupt DMD protein function with a negative predictive value of 95%. In summary, the available evidence is currently insufficient to determine the role of this variant in disease. Therefore, it has been classified as a Variant of Uncertain Significance.